The following is an entry in ClinVar:

ClinVar aggregate classification (germline): Pathogenic (1 of 4 stars; one submission).

Conditions:
Familial cancer of breast. Also called: hereditary breast carcinoma; Hereditary breast cancer; BREAST CANCER, FAMILIAL. Identifiers: Orphanet 227535, MedGen C0346153, MONDO:0016419, OMIM 114480. Disease mechanism: loss of function.

Submission:

Labcorp Genetics (formerly Invitae), Labcorp
Classification: Pathogenic for Familial cancer of breast. Last evaluated: 2018-11-16. Review status: criteria provided, single submitter. Criteria: Invitae Variant Classification Sherloc (09022015). Collection method: clinical testing. Allele origin: germline.
Comment: A gross deletion of the genomic region encompassing the full coding sequence of the CHEK2 gene has been identified. The boundaries of this event are unknown as the deletion extends beyond the assayed region for this gene and therefore may encompass additional genes. While this variant has not been reported in the literature in individuals with CHEK2-related disease, similar loss of the entire CHEK2 coding sequence has been observed in several individuals affected with breast cancer (Invitae). Sub-genic deletions of CHEK2 have been reported in affected patients and are known to be pathogenic (PMID:¬†16551709, 24763289, 17085682).¬†Therefore, deletions that fully encompass these regions are also expected to be pathogenic. Loss-of-function variants in CHEK2 are known to be pathogenic (PMID: 21876083, 24713400). For these reasons, this variant has been classified as Pathogenic.

Literature cited by the submitters: PubMed 16551709; PubMed 24763289; PubMed 17085682; PubMed 21876083; PubMed 24713400.

NC_000022.10:g.(?_29081001)_29140000del

Gene: CHEK2 (checkpoint kinase 2; minus strand).
Variant type: Deletion.
Identifiers: ClinVar variation 1074669 (VCV001074669.3).